The following is an entry in ClinVar:

ClinVar aggregate classification (germline): Uncertain significance (1 of 4 stars; one submission).

Conditions:
Hereditary cancer-predisposing syndrome. Also called: Neoplastic Syndromes, Hereditary; Tumor predisposition; Hereditary neoplastic syndrome; Hereditary Cancer Syndrome. Identifiers: Orphanet 140162, MedGen C0027672, MeSH D009386, MONDO:0015356.

Submission:

Ambry Genetics
Classification: Uncertain significance for Hereditary cancer-predisposing syndrome. Last evaluated: 2023-11-22. Review status: criteria provided, single submitter. Criteria: Ambry Variant Classification Scheme 2023. Collection method: clinical testing. Allele origin: germline.
Comment: The p.M100L variant (also known as c.298A>C), located in coding exon 3 of the BRIP1 gene, results from an A to C substitution at nucleotide position 298. The methionine at codon 100 is replaced by leucine, an amino acid with highly similar properties. This amino acid position is conserved. In addition, this alteration is predicted to be tolerated by in silico analysis. Since supporting evidence is limited at this time, the clinical significance of this alteration remains unclear.

NM_032043.3(BRIP1):c.298A>C (p.Met100Leu)

Gene: BRIP1 (BRCA1 interacting DNA helicase 1; minus strand). Cytogenetic location: 17q23.2.
Variant type: single nucleotide variant.
Coding change: c.298A>C on transcript NM_032043.3 (MANE Select); coding-DNA position 298, A replaced by C.
Protein change: p.Met100Leu; replaces methionine 100 with leucine.
Molecular consequence: missense variant.
Genome position (GRCh38, 1-based): chr17:61,857,139, T>G on the plus strand (A>C on the coding strand, the complement: BRIP1 is on the minus strand). VCF-style: chr17-61857139-T-G. GRCh37 (hg19) VCF-style: chr17-59934500-T-G.
Other names: short protein forms M100L.
Identifiers: ClinVar variation 3228118 (VCV003228118.1), dbSNP rs1603366309, ClinGen allele CA400485425.
Genomic context (GRCh38, chr17:61,857,139, plus strand): 5'-CATTTCTTTCAGAAGGTGGTGTGCTTGGATAGTTGAAATGACGTGAAGTTCCTTGGTTCA[T>G]GTCATTGTTTGTAAAATCCTTTGAATGGCATGCACAACAACATGACAATTGTACTTCAGC-3'
Protein context (NP_114432.2, residues 90-110): CHSKDFTNND[Met100Leu]NQGTSRHFNY